The following is an entry in ClinVar:

ClinVar aggregate classification (germline): Uncertain significance (1 of 4 stars; one submission).

gnomAD v4.1: 1 of 1,613,734 alleles (0.000062%); highest among the groups gnomAD compares: South Asian, 0.0011%; no homozygotes.

Submission:

GeneDx
Classification: Uncertain significance. Last evaluated: 2025-02-09. Review status: criteria provided, single submitter. Criteria: GeneDx Variant Classification Process June 2021. Collection method: clinical testing. Allele origin: germline. Affected: yes.
Comment: Not observed at significant frequency in large population cohorts (gnomAD); In silico analysis indicates that this missense variant does not alter protein structure/function; Has not been previously published as pathogenic or benign to our knowledge

NM_003128.3(SPTBN1):c.2075G>A (p.Gly692Asp)

Gene: SPTBN1 (spectrin beta, non-erythrocytic 1; plus strand). Cytogenetic location: 2p16.2.
Variant type: single nucleotide variant.
Coding change: c.2075G>A on transcript NM_003128.3 (MANE Select); coding-DNA position 2075, G replaced by A.
Protein change: p.Gly692Asp; replaces glycine 692 with aspartic acid.
Molecular consequence: missense variant.
Genome position (GRCh38, 1-based): chr2:54,629,209, G>A. VCF-style: chr2-54629209-G-A. GRCh37 (hg19) VCF-style: chr2-54856346-G-A.
Other names: c.2036G>A, p.Gly679Asp (NM_178313.3); short protein forms G679D, G692D.
Identifiers: ClinVar variation 4074717 (VCV004074717.1).